The following is an entry in ClinVar:

ClinVar aggregate classification (germline): Conflicting classifications of pathogenicity. Review status: criteria provided, conflicting classifications (1 of 4 stars). 9 submissions from 7 submitters: Uncertain significance (6); Likely benign (2). 1 of the submissions does not count toward it. Last evaluated 2026-04-16.

Conditions:
Acute febrile neutrophilic dermatosis (AFND). Also called: Sweet Syndrome; Gomm Button disease. Identifiers: Orphanet 3243, MedGen C0085077, MONDO:0011959, OMIM 608068.
Familial Mediterranean fever (FMF). Also called: POLYSEROSITIS, FAMILIAL PAROXYSMAL; POLYSEROSITIS, RECURRENT; Periodic peritonitis; Benign paroxysmal peritonitis. Identifiers: Orphanet 342, MedGen C0031069, MONDO:0018088, OMIM 249100. Disease mechanism: gain of function.
Familial Mediterranean fever, autosomal dominant. Also called: FMF, AUTOSOMAL DOMINANT; Dominant Familial Mediterranean Fever. Identifiers: Orphanet 342, MedGen C1851347, MONDO:0007601, OMIM 134610.
Autoinflammatory syndrome. Identifiers: Orphanet 93665, MedGen C3890737, MONDO:0019751.

Allele frequency attached by ClinVar (database versions not stated): TOPMed 0.00010.

Submissions (9):

Women's Health and Genetics/Laboratory Corporation of America, LabCorp
Classification: Uncertain significance. Last evaluated: 2026-04-16. Review status: criteria provided, single submitter. Criteria: LabCorp Variant Classification Summary - May 2015. Collection method: clinical testing. Allele origin: germline.
Comment: Variant summary: MEFV c.289C>A (p.Gln97Lys) results in a conservative amino acid change in the encoded protein sequence. Algorithms developed to predict the effect of missense changes on protein structure and function all suggest that this variant is likely to be tolerated. The variant allele was found at a frequency of 5.7e-05 in 245290 control chromosomes. This frequency is not significantly higher than estimated for disease-causing variants in MEFV, allowing no conclusion about variant significance. c.289C>A has been observed in an individual affected with Familial Mediterranean Fever (Kilinc_2016). These data do not allow any conclusion about variant significance. To our knowledge, no experimental evidence demonstrating an impact on protein function has been reported. The following publication have been ascertained in the context of this evaluation (PMID: 26215181). ClinVar contains an entry for this variant (Variation ID: 445870). Based on the evidence outlined above, the variant was classified as uncertain significance.

Fulgent Genetics
Classification: Uncertain significance for Familial Mediterranean fever, autosomal dominant; Familial Mediterranean fever; Acute febrile neutrophilic dermatosis. Last evaluated: 2024-02-14. Review status: criteria provided, single submitter. Criteria: ACMG Guidelines, 2015. Collection method: clinical testing. Allele origin: germline.

Genome-Nilou Lab
Classification: Uncertain significance for Familial Mediterranean fever. Last evaluated: 2023-02-08. Review status: criteria provided, single submitter. Criteria: ACMG Guidelines, 2015. Collection method: clinical testing. Allele origin: germline.

Genome-Nilou Lab
Classification: Likely benign for Familial Mediterranean fever, autosomal dominant. Last evaluated: 2023-02-08. Review status: criteria provided, single submitter. Criteria: ACMG Guidelines, 2015. Collection method: clinical testing. Allele origin: germline.

Genome-Nilou Lab
Classification: Likely benign for Acute febrile neutrophilic dermatosis. Last evaluated: 2023-02-08. Review status: criteria provided, single submitter. Criteria: ACMG Guidelines, 2015. Collection method: clinical testing. Allele origin: germline.

Labcorp Genetics (formerly Invitae), Labcorp
Classification: Uncertain significance for Familial Mediterranean fever. Last evaluated: 2022-08-13. Review status: criteria provided, single submitter. Criteria: Invitae Variant Classification Sherloc (09022015). Collection method: clinical testing. Allele origin: germline.
Comment: This sequence change replaces glutamine, which is neutral and polar, with lysine, which is basic and polar, at codon 97 of the MEFV protein (p.Gln97Lys). This variant is present in population databases (rs747515115, gnomAD 0.01%). This missense change has been observed in individual(s) with familial Mediterranean fever (PMID: 26215181). ClinVar contains an entry for this variant (Variation ID: 445870). Algorithms developed to predict the effect of missense changes on protein structure and function output the following: SIFT: "Tolerated"; PolyPhen-2: "Benign"; Align-GVGD: "Class C0". The lysine amino acid residue is found in multiple mammalian species, which suggests that this missense change does not adversely affect protein function. In summary, the available evidence is currently insufficient to determine the role of this variant in disease. Therefore, it has been classified as a Variant of Uncertain Significance.

Genome Diagnostics Laboratory, The Hospital for Sick Children
Classification: Uncertain significance for Autoinflammatory syndrome. Last evaluated: 2021-03-09. Review status: criteria provided, single submitter. Criteria: ACMG Guidelines, 2015. Collection method: clinical testing. Allele origin: germline. Affected: yes.

Center for Pediatric Genomic Medicine, Children's Mercy Hospital and Clinics
Classification: Uncertain significance. Last evaluated: 2017-09-15. Review status: criteria provided, single submitter. Criteria: ACMG Guidelines, 2015. Collection method: clinical testing. Allele origin: germline.

Natera, Inc.
Classification: Uncertain significance for Familial Mediterranean fever. Last evaluated: 2020-12-04. Review status: no assertion criteria provided. Collection method: clinical testing. Allele origin: germline. Not counted in ClinVar's aggregate classification.

Literature cited by the submitters: PubMed 26215181 (cited by Women's Health and Genetics/Laboratory Corporation of America, LabCorp and Labcorp Genetics (formerly Invitae), Labcorp).

NM_000243.3(MEFV):c.289C>A (p.Gln97Lys)

Gene: MEFV (MEFV innate immunity regulator, pyrin; minus strand). Cytogenetic location: 16p13.3.
Variant type: single nucleotide variant.
Coding change: c.289C>A on transcript NM_000243.3 (MANE Select); coding-DNA position 289, C replaced by A.
Protein change: p.Gln97Lys; replaces glutamine 97 with lysine.
Molecular consequence: missense variant. On other transcripts: intron variant (1).
Genome position (GRCh38, 1-based): chr16:3,254,779, G>T on the plus strand (C>A on the coding strand, the complement: MEFV is on the minus strand). VCF-style: chr16-3254779-G-T. GRCh37 (hg19) VCF-style: chr16-3304779-G-T.
Other names: c.277+1532C>A (NM_001198536.2); short protein forms Q97K.
Identifiers: ClinVar variation 445870 (VCV000445870.17), dbSNP rs747515115, ClinGen allele CA7860463.